The following is an entry in ClinVar:

NM_000719.7(CACNA1C):c.5900A>G (p.Gln1967Arg)

Genes: CACNA1C-AS1 (CACNA1C antisense RNA 1; minus strand), CACNA1C (calcium voltage-gated channel subunit alpha1 C; plus strand). Cytogenetic location: 12p13.33.
Variant type: single nucleotide variant.
Coding change: c.5900A>G on transcript NM_000719.7 (MANE Select); coding-DNA position 5900, A replaced by G.
Protein change: p.Gln1967Arg; replaces glutamine 1967 with arginine.
Molecular consequence: missense variant.
Genome position (GRCh38, 1-based): chr12:2,688,562, A>G. VCF-style: chr12-2688562-A-G. GRCh37 (hg19) VCF-style: chr12-2797728-A-G.
Other names: c.5900A>G, p.Gln1967Arg (NM_001167623.2, NM_001129840.2, NM_001129841.2 and 2 more transcripts); c.6005A>G, p.Gln2002Arg (NM_001167624.3, NM_001129830.3); c.6080A>G, p.Gln2027Arg (NM_001167625.2); c.6149A>G, p.Gln2050Arg (NM_199460.4); c.6044A>G, p.Gln2015Arg (NM_001129827.2); c.6023A>G, p.Gln2008Arg (NM_001129829.2); c.5984A>G, p.Gln1995Arg (NM_001129831.2); c.5960A>G, p.Gln1987Arg (NM_001129832.2); and 6 more; short protein forms Q1956R, Q1964R, Q2050R, Q1967R, Q1995R, Q2002R, Q1973R, Q1975R.
Identifiers: ClinVar variation 847588 (VCV000847588.13), dbSNP rs1178438128, ClinGen allele CA383384392.

ClinVar aggregate classification (germline): Conflicting classifications of pathogenicity. Review status: criteria provided, conflicting classifications (1 of 4 stars). 4 submissions from 4 submitters: Uncertain significance (3); Likely benign (1). Last evaluated 2025-05-26.

Conditions:
Cardiovascular phenotype. Identifiers: MedGen CN230736.
Long QT syndrome (LQTS). Identifiers: MedGen C0023976, MeSH D008133, MONDO:0002442. Disease mechanism: loss of function. Inheritance: Various modes of inheritance.
Timothy syndrome (TS). Also called: LONG QT SYNDROME WITH SYNDACTYLY. Identifiers: Orphanet 65283, MedGen C1832916, MeSH C536962, MONDO:0010979, OMIM 601005.
Long QT syndrome 8. Identifiers: MedGen CN260585, MONDO:0032756, OMIM 618447.
Brugada syndrome 3 (BRGDA3). Identifiers: Orphanet 130, MedGen C2678478, MONDO:0012742, OMIM 611875.

Allele frequency attached by ClinVar (database versions not stated): gnomAD exomes below 0.00001; TOPMed below 0.00001; gnomAD 0.00001.
gnomAD v4.1: 3 of 1,613,820 alleles (0.00019%); highest among the groups gnomAD compares: South Asian, 0.0022%; no homozygotes.

Submissions (4):

Labcorp Genetics (formerly Invitae), Labcorp
Classification: Uncertain significance for Long QT syndrome. Last evaluated: 2025-05-26. Review status: criteria provided, single submitter. Criteria: Invitae Variant Classification Sherloc (09022015). Collection method: clinical testing. Allele origin: germline.
Comment: This sequence change replaces glutamine, which is neutral and polar, with arginine, which is basic and polar, at codon 1967 of the CACNA1C protein (p.Gln1967Arg). This variant is present in population databases (no rsID available, gnomAD 0.003%). This variant has not been reported in the literature in individuals affected with CACNA1C-related conditions. ClinVar contains an entry for this variant (Variation ID: 847588). Invitae Evidence Modeling of protein sequence and biophysical properties (such as structural, functional, and spatial information, amino acid conservation, physicochemical variation, residue mobility, and thermodynamic stability) indicates that this missense variant is not expected to disrupt CACNA1C protein function with a negative predictive value of 95%. In summary, the available evidence is currently insufficient to determine the role of this variant in disease. Therefore, it has been classified as a Variant of Uncertain Significance.

Blueprint Genetics
Classification: Uncertain significance. Last evaluated: 2024-07-23. Review status: criteria provided, single submitter. Criteria: ACMG Guidelines, 2015. Collection method: clinical testing. Allele origin: germline.

Ambry Genetics
Classification: Likely benign for Cardiovascular phenotype. Last evaluated: 2024-02-17. Review status: criteria provided, single submitter. Criteria: Ambry Variant Classification Scheme 2023. Collection method: clinical testing. Allele origin: germline.

Fulgent Genetics
Classification: Uncertain significance for Timothy syndrome; Brugada syndrome 3; Long QT syndrome 8. Last evaluated: 2021-08-02. Review status: criteria provided, single submitter. Criteria: ACMG Guidelines, 2015. Collection method: clinical testing. Allele origin: unknown.